The following is an entry in ClinVar:

NM_000179.3(MSH6):c.3996_3997dup (p.Phe1333fs)

Gene: MSH6 (mutS homolog 6; plus strand). Cytogenetic location: 2p16.3.
Variant type: Duplication.
Coding change: c.3996_3997dup on transcript NM_000179.3 (MANE Select); coding-DNA positions 3996 to 3997, 2 bases duplicated (AT; older notation c.3996_3997dupAT).
Protein change: p.Phe1333fs; shifts the reading frame from phenylalanine 1333.
Molecular consequence: frameshift variant.
Genome position (GRCh38, 1-based): chr2:47,806,646-47,806,647, AT duplicated; duplicating any 2 consecutive bases within chr2:47,806,645-47,806,647 gives the same sequence; the c. name uses the placement nearest the transcript's 3' end. VCF-style (leftmost placement, unchanged base first): chr2-47806644-T-TTA. GRCh37 (hg19) VCF-style: chr2-48033783-T-TTA.
Other names: c.3606_3607dup, p.Phe1203fs (NM_001281492.2); c.3090_3091dup, p.Phe1031fs (NM_001281493.2, NM_001281494.2); short protein forms F1203fs, F1031fs, F1333fs.
Identifiers: ClinVar variation 824467 (VCV000824467.4), dbSNP rs1572748101, ClinGen allele CA915943986.
Genomic context (GRCh38, chr2:47,806,644, plus strand): 5'-GTTATTCAAAAGGGACATAGAAAAGCAAGAGAATTTGAGAAGATGAATCAGTCACTACGA[T>TTA]TATTTCGGTAACTAACTAACTATAATGGAATTATAACTAACTGACCTTAAGTTTCAAAGA-3'

ClinVar aggregate classification (germline): Uncertain significance (1 of 4 stars; one submission).

Conditions:
Hereditary cancer-predisposing syndrome. Also called: Neoplastic Syndromes, Hereditary; Tumor predisposition; Hereditary neoplastic syndrome; Hereditary Cancer Syndrome. Identifiers: Orphanet 140162, MedGen C0027672, MeSH D009386, MONDO:0015356.

Submission:

Ambry Genetics
Classification: Uncertain significance for Hereditary cancer-predisposing syndrome. Last evaluated: 2018-02-26. Review status: criteria provided, single submitter. Criteria: Ambry Variant Classification Scheme 2023. Collection method: clinical testing. Allele origin: germline.
Comment: The c.3996_3997dupAT variant, located in coding exon 9 of the MSH6 gene, results from a duplication of AT at nucleotide position 3996, causing a translational frameshift with a predicted alternate stop codon (p.F1333Yfs*14). Premature stop codons are typically deleterious in nature, however, this stop codon occurs at the 3' terminus of MSH6, is not expected to trigger nonsense-mediated mRNA decay, and removes only the last 28 amino acids of the protein. The exact functional impact of these removed amino acids is unknown at this time. Since supporting evidence is limited at this time, the clinical significance of this alteration remains unclear.